The following is an entry in ClinVar:

ClinVar aggregate classification (germline): Conflicting classifications of pathogenicity. Review status: criteria provided, conflicting classifications (1 of 4 stars). 4 submissions from 4 submitters: Uncertain significance (3); Likely benign (1). Last evaluated 2025-07-19.

Conditions:
Breast-ovarian cancer, familial, susceptibility to, 1 (BROVCA1). Also called: OVARIAN CANCER, SUSCEPTIBILITY TO; BRCA1 Hereditary Breast and Ovarian Cancer. Identifiers: Orphanet 145, MedGen C2676676, MONDO:0011450, OMIM 604370. Disease mechanism: loss of function.
Hereditary breast ovarian cancer syndrome. Also called: Hereditary breast and ovarian cancer syndrome (HBOC); Breast and ovarian cancer; Hereditary breast and ovarian cancer syndrome; Hereditary breast and/or ovarian cancer syndrome; Hereditary breast and ovarian cancer; BRCA1- and BRCA2-Associated Hereditary Breast and Ovarian Cancer. Identifiers: Orphanet 145, MedGen C0677776, MeSH D061325, MONDO:0003582. Disease mechanism: loss of function.
Hereditary cancer-predisposing syndrome. Also called: Hereditary neoplastic syndrome; Neoplastic Syndromes, Hereditary; Tumor predisposition; Hereditary Cancer Syndrome. Identifiers: Orphanet 140162, MedGen C0027672, MeSH D009386, MONDO:0015356.

Submissions (4):

Ambry Genetics
Classification: Uncertain significance for Hereditary cancer-predisposing syndrome. Last evaluated: 2025-07-19. Review status: criteria provided, single submitter. Criteria: Ambry Variant Classification Scheme 2023. Collection method: clinical testing. Allele origin: germline.
Comment: The p.N480K variant (also known as c.1440T>G), located in coding exon 9 of the BRCA1 gene, results from a T to G substitution at nucleotide position 1440. The asparagine at codon 480 is replaced by lysine, an amino acid with similar properties. This amino acid position is conserved. In addition, the in silico prediction for this alteration is inconclusive. Since supporting evidence is limited at this time, the clinical significance of this alteration remains unclear.

Labcorp Genetics (formerly Invitae), Labcorp
Classification: Uncertain significance for Hereditary breast ovarian cancer syndrome. Last evaluated: 2025-03-25. Review status: criteria provided, single submitter. Criteria: Invitae Variant Classification Sherloc (09022015). Collection method: clinical testing. Allele origin: germline.
Comment: This sequence change replaces asparagine, which is neutral and polar, with lysine, which is basic and polar, at codon 480 of the BRCA1 protein (p.Asn480Lys). This variant is not present in population databases (gnomAD no frequency). This variant has not been reported in the literature in individuals affected with BRCA1-related conditions. ClinVar contains an entry for this variant (Variation ID: 1060799). Invitae Evidence Modeling of protein sequence and biophysical properties (such as structural, functional, and spatial information, amino acid conservation, physicochemical variation, residue mobility, and thermodynamic stability) indicates that this missense variant is not expected to disrupt BRCA1 protein function with a negative predictive value of 80%. In summary, the available evidence is currently insufficient to determine the role of this variant in disease. Therefore, it has been classified as a Variant of Uncertain Significance.

All of Us Research Program, National Institutes of Health
Classification: Uncertain significance for Breast-ovarian cancer, familial, susceptibility to, 1. Last evaluated: 2023-03-23. Review status: criteria provided, single submitter. Criteria: ACMG Guidelines, 2015. Collection method: clinical testing. Allele origin: germline. Inheritance: Autosomal dominant inheritance. Observed: 1 variant allele, 1 heterozygote.
Comment: This missense variant replaces asparagine with lysine at codon 480 of the BRCA1 protein. Computational prediction suggests that this variant may not impact protein structure and function (internally defined REVEL score threshold <= 0.5, PMID: 27666373). To our knowledge, functional studies have not been reported for this variant. This variant has not been reported in individuals affected with BRCA1-related disorders in the literature. This variant has not been identified in the general population by the Genome Aggregation Database (gnomAD). The available evidence is insufficient to determine the role of this variant in disease conclusively. Therefore, this variant is classified as a Variant of Uncertain Significance.

This study involves interpretation of variants in research participants for the purpose of population health screening. Participant phenotype was not available at the time of variant classification. Additional details can be found in publication PMID: 35346344, PMCID: PMC8962531

University of Washington Department of Laboratory Medicine, University of Washington
Classification: Likely benign for Hereditary cancer-predisposing syndrome. Last evaluated: 2023-03-23. Review status: criteria provided, single submitter. Criteria: Dines et al. (Genet Med. 2020). Collection method: curation. Allele origin: germline.
Comment: Missense variant in a coldspot region where missense variants are very unlikely to be pathogenic (PMID:31911673).

BRCA1 coldspot (exon 11 using historical exon numbering). Reclassification based on statistical prior probability

NM_007294.4(BRCA1):c.1440T>G (p.Asn480Lys)

Gene: BRCA1 (BRCA1 DNA repair associated; minus strand). Cytogenetic location: 17q21.31.
Variant type: single nucleotide variant.
Coding change: c.1440T>G on transcript NM_007294.4 (MANE Select); coding-DNA position 1440, T replaced by G.
Protein change: p.Asn480Lys; replaces asparagine 480 with lysine.
Molecular consequence: missense variant. On other transcripts: intron variant (137).
Genome position (GRCh38, 1-based): chr17:43,094,091, A>C on the plus strand (T>G on the coding strand, the complement: BRCA1 is on the minus strand). VCF-style: chr17-43094091-A-C. GRCh37 (hg19) VCF-style: chr17-41246108-A-C.
Other names: c.1314T>G, p.Asn438Lys (NM_001407689.1, NM_001407690.1, NM_001407691.1 and 11 more transcripts); c.1299T>G, p.Asn433Lys (NM_001407692.1, NM_001407694.1, NM_001407695.1 and 29 more transcripts); c.1296T>G, p.Asn432Lys (NM_001407740.1, NM_001407741.1, NM_001407742.1 and 20 more transcripts); c.1437T>G, p.Asn479Lys (NM_001407860.1, NM_001407861.1, NM_001407587.1 and 22 more transcripts); c.1239T>G, p.Asn413Lys (NM_001407862.1); c.1317T>G, p.Asn439Lys (NM_001407863.1, NM_001407664.1, NM_001407665.1 and 19 more transcripts); c.1236T>G, p.Asn412Lys (NM_001407874.1, NM_001407875.1); c.1230T>G, p.Asn410Lys (NM_001407879.1, NM_001407881.1, NM_001407882.1 and 13 more transcripts); and 40 more; short protein forms N433K, N480K, N353K, N412K, N413K, N184K, N352K, N368K.
Identifiers: ClinVar variation 1060799 (VCV001060799.16), dbSNP rs2154446030, ClinGen allele CA10599160.